The following is an entry in ClinVar:

ClinVar aggregate classification (germline): Uncertain significance (1 of 4 stars; one submission).

Submission:

Ambry Genetics
Classification: Uncertain significance. Last evaluated: 2025-08-15. Review status: criteria provided, single submitter. Criteria: Ambry Variant Classification Scheme 2023. Collection method: clinical testing. Allele origin: germline.
Comment: The p.S94G variant (also known as c.280A>G), located in coding exon 2 of the RNF43 gene, results from an A to G substitution at nucleotide position 280. The serine at codon 94 is replaced by glycine, an amino acid with similar properties. This amino acid position is conserved. In addition, this alteration is predicted to be tolerated by in silico analysis. Based on the available evidence, the clinical significance of this variant remains unclear.

NM_017763.6(RNF43):c.280A>G (p.Ser94Gly)

Gene: RNF43 (ring finger protein 43; minus strand). Cytogenetic location: 17q22.
Variant type: single nucleotide variant.
Coding change: c.280A>G on transcript NM_017763.6 (MANE Select); coding-DNA position 280, A replaced by G.
Protein change: p.Ser94Gly; replaces serine 94 with glycine.
Molecular consequence: missense variant. On other transcripts: 5 prime UTR variant (2).
Genome position (GRCh38, 1-based): chr17:58,371,006, T>C on the plus strand (A>G on the coding strand, the complement: RNF43 is on the minus strand). VCF-style: chr17-58371006-T-C. GRCh37 (hg19) VCF-style: chr17-56448367-T-C.
Other names: c.280A>G, p.Ser94Gly (NM_001305544.3, NM_001438820.1, NM_001438821.1 and 1 more transcripts); c.-102A>G (NM_001305545.2, NM_001437987.1); short protein forms S94G.
Identifiers: ClinVar variation 4155780 (VCV004155780.1).
Genomic context (GRCh38, chr17:58,371,006, plus strand): 5'-GTCGAGGACTCTCCAGCTTGACGATGCTGATGAATCCAGGCTCCAGATTGTCGTCATCAC[T>C]GGCATTGCACAGGTACAGCGGGTGGGACTGCAGAGAGAGACAGACTTGGGTTAGGGAGGC-3'
Protein context (NP_060233.3, residues 84-104): QSHPLYLCNA[Ser94Gly]DDDNLEPGFI